The following is an entry in ClinVar:

NM_016373.4(WWOX):c.1178C>T (p.Thr393Met)

Genes: MAF (MAF bZIP transcription factor; minus strand), WWOX (WW domain containing oxidoreductase; plus strand). Cytogenetic location: 16q23.2.
Variant type: single nucleotide variant.
Coding change: c.1178C>T on transcript NM_016373.4 (MANE Select); coding-DNA position 1178, C replaced by T.
Protein change: p.Thr393Met; replaces threonine 393 with methionine.
Molecular consequence: missense variant.
Genome position (GRCh38, 1-based): chr16:79,211,729, C>T. VCF-style: chr16-79211729-C-T. GRCh37 (hg19) VCF-style: chr16-79245626-C-T.
Other names: p.Thr393Met; c.839C>T, p.Thr280Met (NM_001291997.2); short protein forms T393M, T280M.
Identifiers: ClinVar variation 410084 (VCV000410084.56), dbSNP rs139253468, ClinGen allele CA8183777.

ClinVar aggregate classification (germline): Conflicting classifications of pathogenicity. Review status: criteria provided, conflicting classifications (1 of 4 stars). 7 submissions from 7 submitters: Uncertain significance (1); Likely benign (4). 2 of the submissions do not count toward it. Last evaluated 2026-01-06.

Conditions:
Autosomal recessive spinocerebellar ataxia 12. Also called: SPINOCEREBELLAR ATAXIA WITH MENTAL RETARDATION AND EPILEPSY. Identifiers: Orphanet 284282, MedGen C3280452, MONDO:0013687, OMIM 614322.
Developmental and epileptic encephalopathy, 1 (DEE1). Also called: Epileptic encephalopathy, early infantile, 1; X-linked infantile spasms; West's syndrome; Tonic spasms with clustering, arrest of psychomotor development and hypsarrhythmia on EEG; X-Linked Infantile Spasm Syndrome; OHTAHARA SYNDROME, X-LINKED. Identifiers: MedGen C3463992, MONDO:0010632, OMIM 308350. Disease mechanism: loss of function.
Inborn genetic diseases. Identifiers: MedGen C0950123, MeSH D030342.

Allele frequency attached by ClinVar (database versions not stated): 1000 Genomes Project 0.00040; ExAC 0.00045; 1000 Genomes Project 30x 0.00062; ESP Exome Variant Server 0.00065; TOPMed 0.00075; gnomAD 0.00080 and 0.00081.
gnomAD v4.1: 1,458 of 1,614,222 alleles (0.09%); highest among the groups gnomAD compares: Non-Finnish European, 0.11%; 1 homozygote.

Submissions (7):

Labcorp Genetics (formerly Invitae), Labcorp
Classification: Likely benign for Developmental and epileptic encephalopathy, 1; Autosomal recessive spinocerebellar ataxia 12. Last evaluated: 2026-01-06. Review status: criteria provided, single submitter. Criteria: Invitae Variant Classification Sherloc (09022015). Collection method: clinical testing. Allele origin: germline.

CeGaT Center for Human Genetics Tuebingen
Classification: Likely benign. Last evaluated: 2025-08-01. Review status: criteria provided, single submitter. Criteria: CeGaT Center For Human Genetics Tuebingen Variant Classification Criteria Version 2. Collection method: clinical testing. Allele origin: germline. Affected: yes. Observed: 5 variant alleles.
Comment: WWOX: BP4

Mayo Clinic Laboratories, Mayo Clinic
Classification: Likely benign. Last evaluated: 2025-07-15. Review status: criteria provided, single submitter. Criteria: ACMG Guidelines, 2015. Collection method: clinical testing. Allele origin: germline. Observed: 2 variant alleles.
Comment: BS1, BP4_moderate

GeneDx
Classification: Likely benign. Last evaluated: 2021-06-14. Review status: criteria provided, single submitter. Criteria: GeneDx Variant Classification Process June 2021. Collection method: clinical testing. Allele origin: germline. Affected: yes.

Ambry Genetics
Classification: Uncertain significance for Inborn genetic diseases. Last evaluated: 2021-06-04. Review status: criteria provided, single submitter. Criteria: Ambry Variant Classification Scheme 2023. Collection method: clinical testing. Allele origin: germline.
Comment: The c.1178C>T (p.T393M) alteration is located in exon 9 (coding exon 9) of the WWOX gene. This alteration results from a C to T substitution at nucleotide position 1178, causing the threonine (T) at amino acid position 393 to be replaced by a methionine (M). The p.T393M alteration is predicted to be tolerated by in silico analysis. Based on insufficient or conflicting evidence, the clinical significance of this alteration remains unclear.

Clinical Genetics DNA and cytogenetics Diagnostics Lab, Erasmus MC, Erasmus Medical Center
Classification: Likely benign. Review status: no assertion criteria provided. Collection method: clinical testing. Allele origin: germline. Affected: yes. Study: VKGL Data-share Consensus. Not counted in ClinVar's aggregate classification.

Genome Diagnostics Laboratory, University Medical Center Utrecht
Classification: Likely benign. Review status: no assertion criteria provided. Collection method: clinical testing. Allele origin: germline. Affected: yes. Study: VKGL Data-share Consensus. Not counted in ClinVar's aggregate classification.